The following is an entry in ClinVar:

NM_001148.6(ANK2):c.11027G>C (p.Ser3676Thr)

Gene: ANK2 (ankyrin 2; plus strand). Cytogenetic location: 4q26.
Variant type: single nucleotide variant.
Coding change: c.11027G>C on transcript NM_001148.6 (MANE Select); coding-DNA position 11027, G replaced by C.
Protein change: p.Ser3676Thr; replaces serine 3676 with threonine.
Molecular consequence: missense variant.
Genome position (GRCh38, 1-based): chr4:113,365,177, G>C. VCF-style: chr4-113365177-G-C. GRCh37 (hg19) VCF-style: chr4-114286333-G-C.
Other names: c.4745G>C, p.Ser1582Thr (NM_001127493.3); c.4784G>C, p.Ser1595Thr (NM_001354225.2); c.4673G>C, p.Ser1558Thr (NM_001354228.2, NM_001354258.2); c.4751G>C, p.Ser1584Thr (NM_001354230.2); c.4814G>C, p.Ser1605Thr (NM_001354231.2, NM_001354242.2); c.4808G>C, p.Ser1603Thr (NM_001354232.2); c.4769G>C, p.Ser1590Thr (NM_001354235.2, NM_001354246.2, NM_001354265.2); c.4670G>C, p.Ser1557Thr (NM_001354236.2); and 35 more; short protein forms S1582T, S3676T, S1520T, S1558T, S1584T, S1606T, S1529T, S1544T.
Identifiers: ClinVar variation 347345 (VCV000347345.47), dbSNP rs886059017, ClinGen allele CA10616954.

ClinVar aggregate classification (germline): Uncertain significance. Review status: criteria provided, multiple submitters, no conflicts (2 of 4 stars). 5 submissions from 5 submitters: Uncertain significance (5). Last evaluated 2023-12-26.

Conditions:
Cardiovascular phenotype. Identifiers: MedGen CN230736.
Long QT syndrome (LQTS). Identifiers: MedGen C0023976, MeSH D008133, MONDO:0002442. Disease mechanism: loss of function. Inheritance: Various modes of inheritance.
Cardiac arrhythmia, ankyrin-B-related. Also called: ANKYRIN-B SYNDROME. Identifiers: Orphanet 101016, Orphanet 768, MedGen C1970119, MONDO:0010958, OMIM 600919.

Allele frequency attached by ClinVar (database versions not stated): gnomAD exomes 0.00001; TOPMed 0.00001.
gnomAD v4.1: 10 of 1,609,878 alleles (0.00062%); highest among the groups gnomAD compares: Non-Finnish European, 0.00068%; no homozygotes.

Submissions (5):

Ambry Genetics
Classification: Uncertain significance for Cardiovascular phenotype. Last evaluated: 2023-12-26. Review status: criteria provided, single submitter. Criteria: Ambry Variant Classification Scheme 2023. Collection method: clinical testing. Allele origin: germline.
Comment: The p.S3676T variant (also known as c.11027G>C), located in coding exon 41 of the ANK2 gene, results from a G to C substitution at nucleotide position 11027. The serine at codon 3676 is replaced by threonine, an amino acid with similar properties. This variant was detected in a arrhythmia genetic testing cohort; however, clinical details were limited, and additional cardiac variants were detected in some cases (van Lint FHM et al. Neth Heart J, 2019 Jun;27:304-309). This amino acid position is highly conserved in available vertebrate species. In addition, the in silico prediction for this alteration is inconclusive. Since supporting evidence is limited at this time, the clinical significance of this alteration remains unclear.

Labcorp Genetics (formerly Invitae), Labcorp
Classification: Uncertain significance for Long QT syndrome. Last evaluated: 2022-08-12. Review status: criteria provided, single submitter. Criteria: Invitae Variant Classification Sherloc (09022015). Collection method: clinical testing. Allele origin: germline.
Comment: ClinVar contains an entry for this variant (Variation ID: 347345). Algorithms developed to predict the effect of missense changes on protein structure and function are either unavailable or do not agree on the potential impact of this missense change (SIFT: "Tolerated"; PolyPhen-2: "Probably Damaging"; Align-GVGD: "Class C0"). In summary, the available evidence is currently insufficient to determine the role of this variant in disease. Therefore, it has been classified as a Variant of Uncertain Significance. This missense change has been observed in individual(s) with Brugada syndrome (PMID: 30847666). This sequence change replaces serine, which is neutral and polar, with threonine, which is neutral and polar, at codon 3676 of the ANK2 protein (p.Ser3676Thr). This variant is present in population databases (no rsID available, gnomAD 0.002%).

Fulgent Genetics
Classification: Uncertain significance for Cardiac arrhythmia, ankyrin-B-related. Last evaluated: 2021-10-26. Review status: criteria provided, single submitter. Criteria: ACMG Guidelines, 2015. Collection method: clinical testing. Allele origin: unknown.

CeGaT Center for Human Genetics Tuebingen
Classification: Uncertain significance. Last evaluated: 2021-05-01. Review status: criteria provided, single submitter. Criteria: CeGaT Center For Human Genetics Tuebingen Variant Classification Criteria Version 2. Collection method: clinical testing. Allele origin: germline. Affected: yes. Observed: 1 variant allele.

Illumina Laboratory Services, Illumina
Classification: Uncertain significance for Cardiac arrhythmia, ankyrin-B-related. Last evaluated: 2018-01-12. Review status: criteria provided, single submitter. Criteria: ICSL Variant Classification Criteria 13 December 2019. Collection method: clinical testing. Allele origin: germline.

Literature cited by the submitters: PubMed 30847666 (cited by Ambry Genetics and Labcorp Genetics (formerly Invitae), Labcorp).